The following is an entry in ClinVar:

ClinVar aggregate classification (germline): Uncertain significance (1 of 4 stars; one submission).

Conditions:
Ehlers-Danlos syndrome, classic type, 1 (EDSCL1). Also called: Ehlers-Danlos Syndrome, Classic Type, COL5A1-Related; EHLERS-DANLOS SYNDROME, GRAVIS TYPE; EHLERS-DANLOS SYNDROME, SEVERE CLASSIC TYPE; Ehlers-Danlos syndrome, type 1; EDS I. Identifiers: MedGen C0268335, MONDO:0019567, OMIM 130000.
Osteogenesis imperfecta type I (OI1). Also called: OI, TYPE I; OSTEOGENESIS IMPERFECTA TARDA; OSTEOGENESIS IMPERFECTA WITH BLUE SCLERAE; Osteogenesis imperfecta type 1; Classic Non-deforming Osteogenesis Imperfecta with Blue Sclerae; Lobstein's Disease. Identifiers: Orphanet 216796, Orphanet 666, MedGen C0023931, MONDO:0008146, OMIM 166200. Disease mechanism: loss of function.

Allele frequency attached by ClinVar (database versions not stated): ExAC 0.00002.
gnomAD v4.1: 5 of 1,614,128 alleles (0.00031%); highest among the groups gnomAD compares: Non-Finnish European, 0.00042%; no homozygotes.

Submission:

Labcorp Genetics (formerly Invitae), Labcorp
Classification: Uncertain significance for Osteogenesis imperfecta type I; Ehlers-Danlos syndrome, classic type, 1. Last evaluated: 2025-09-09. Review status: criteria provided, single submitter. Criteria: Invitae Variant Classification Sherloc (09022015). Collection method: clinical testing. Allele origin: germline.
Comment: This sequence change replaces arginine, which is basic and polar, with glycine, which is neutral and non-polar, at codon 714 of the COL1A2 protein (p.Arg714Gly). This variant is present in population databases (rs770271259, gnomAD 0.002%). This variant has not been reported in the literature in individuals affected with COL1A2-related conditions. ClinVar contains an entry for this variant (Variation ID: 2162914). Invitae Evidence Modeling of protein sequence and biophysical properties (such as structural, functional, and spatial information, amino acid conservation, physicochemical variation, residue mobility, and thermodynamic stability) indicates that this missense variant is expected to disrupt COL1A2 protein function with a positive predictive value of 95%. In summary, the available evidence is currently insufficient to determine the role of this variant in disease. Therefore, it has been classified as a Variant of Uncertain Significance.

NM_000089.4(COL1A2):c.2140C>G (p.Arg714Gly)

Gene: COL1A2 (collagen type I alpha 2 chain; plus strand). Cytogenetic location: 7q21.3.
Variant type: single nucleotide variant.
Coding change: c.2140C>G on transcript NM_000089.4 (MANE Select); coding-DNA position 2140, C replaced by G.
Protein change: p.Arg714Gly; replaces arginine 714 with glycine.
Molecular consequence: missense variant.
Genome position (GRCh38, 1-based): chr7:94,420,397, C>G. VCF-style: chr7-94420397-C-G. GRCh37 (hg19) VCF-style: chr7-94049709-C-G.
Other names: short protein forms R714G.
Identifiers: ClinVar variation 2162914 (VCV002162914.4), dbSNP rs770271259, ClinGen allele CA4347334.
Genomic context (GRCh38, chr7:94,420,397, plus strand): 5'-ACATTGATGAACCTAGGATTGATAACACATTTTTAAATCCCTTCTCCCACCTAGGGTGAA[C>G]GTGGTGAGGTCGGTCCTGCTGGCCCCAATGGATTTGCTGGTCCTGCTGTGAGTATCACAT-3'
Protein context (NP_000080.2, residues 704-724): PAGPRGSPGE[Arg714Gly]GEVGPAGPNG